The following is an entry in ClinVar:

ClinVar aggregate classification (germline): Uncertain significance. Review status: criteria provided, multiple submitters, no conflicts (2 of 4 stars). 2 submissions from 2 submitters: Uncertain significance (2). Last evaluated 2024-06-07.

Conditions:
Upshaw-Schulman syndrome (TTP). Also called: Congenital thrombotic thrombocytopenic purpura; THROMBOTIC THROMBOCYTOPENIC PURPURA, HEREDITARY. Identifiers: Orphanet 93583, MedGen C1268935, MONDO:0010122, OMIM 274150.

gnomAD v4.1: 19 of 1,613,846 alleles (0.0012%); highest among the groups gnomAD compares: African/African-American, 0.0093%; no homozygotes.

Submissions (2):

Fulgent Genetics
Classification: Uncertain significance for Upshaw-Schulman syndrome. Last evaluated: 2024-06-07. Review status: criteria provided, single submitter. Criteria: ACMG Guidelines, 2015. Collection method: clinical testing. Allele origin: germline.

Labcorp Genetics (formerly Invitae), Labcorp
Classification: Uncertain significance. Last evaluated: 2022-06-22. Review status: criteria provided, single submitter. Criteria: Invitae Variant Classification Sherloc (09022015). Collection method: clinical testing. Allele origin: germline.
Comment: This sequence change replaces arginine, which is basic and polar, with histidine, which is basic and polar, at codon 421 of the ADAMTS13 protein (p.Arg421His). This variant is present in population databases (rs782541751, gnomAD 0.007%). This variant has not been reported in the literature in individuals affected with ADAMTS13-related conditions. Algorithms developed to predict the effect of missense changes on protein structure and function output the following: SIFT: "Tolerated"; PolyPhen-2: "Benign"; Align-GVGD: "Class C0". The histidine amino acid residue is found in multiple mammalian species, which suggests that this missense change does not adversely affect protein function. In summary, the available evidence is currently insufficient to determine the role of this variant in disease. Therefore, it has been classified as a Variant of Uncertain Significance.

NM_139027.6(ADAMTS13):c.1262G>A (p.Arg421His)

Gene: ADAMTS13 (ADAM metallopeptidase with thrombospondin type 1 motif 13; plus strand). Cytogenetic location: 9q34.2.
Variant type: single nucleotide variant.
Coding change: c.1262G>A on transcript NM_139027.6 (MANE Select); coding-DNA position 1262, G replaced by A.
Protein change: p.Arg421His; replaces arginine 421 with histidine.
Molecular consequence: missense variant.
Genome position (GRCh38, 1-based): chr9:133,433,658, G>A. VCF-style: chr9-133433658-G-A. GRCh37 (hg19) VCF-style: chr9-136298778-G-A.
Other names: c.1262G>A, p.Arg421His (NM_139025.5); c.1169G>A, p.Arg390His (NM_139026.6); short protein forms R421H, R390H.
Identifiers: ClinVar variation 1986912 (VCV001986912.2), dbSNP rs782541751, ClinGen allele CA200927194.